The following is an entry in ClinVar:

NM_058195.4(CDKN2A):c.26T>C (p.Leu9Pro)

Gene: CDKN2A (cyclin dependent kinase inhibitor 2A; minus strand). Cytogenetic location: 9p21.3.
Variant type: single nucleotide variant.
Coding change: c.26T>C on transcript NM_058195.4 (MANE Plus Clinical); coding-DNA position 26, T replaced by C.
Protein change: p.Leu9Pro; replaces leucine 9 with proline.
Molecular consequence: missense variant. On other transcripts: intron variant (1).
Genome position (GRCh38, 1-based): chr9:21,994,306, A>G on the plus strand (T>C on the coding strand, the complement: CDKN2A is on the minus strand). VCF-style: chr9-21994306-A-G. GRCh37 (hg19) VCF-style: chr9-21994305-A-G.
Other names: c.-4+515T>C (NM_001363763.2); short protein forms L9P.
Identifiers: ClinVar variation 231774 (VCV000231774.8), dbSNP rs876659353, ClinGen allele CA10578855.

ClinVar aggregate classification (germline): Uncertain significance. Review status: criteria provided, multiple submitters, no conflicts (2 of 4 stars). 2 submissions from 2 submitters: Uncertain significance (2). Last evaluated 2023-07-18.

Conditions:
Familial melanoma. Also called: Hereditary melanoma; Hereditary cutaneous melanoma. Identifiers: Orphanet 618, MedGen C1512419, MONDO:0018961.
Hereditary cancer-predisposing syndrome. Also called: Neoplastic Syndromes, Hereditary; Hereditary neoplastic syndrome; Tumor predisposition; Hereditary Cancer Syndrome. Identifiers: Orphanet 140162, MedGen C0027672, MeSH D009386, MONDO:0015356.

Allele frequency attached by ClinVar (database versions not stated): gnomAD exomes below 0.00001.
gnomAD v4.1: 1 of 1,604,834 alleles (0.000062%); highest among the groups gnomAD compares: Non-Finnish European, 0.000085%; no homozygotes.

Submissions (2):

Ambry Genetics
Classification: Uncertain significance for Hereditary cancer-predisposing syndrome. Last evaluated: 2023-07-18. Review status: criteria provided, single submitter. Criteria: Ambry Variant Classification Scheme 2023. Collection method: clinical testing. Allele origin: germline.
Comment: The p.L9P variant (also known as c.26T>C), located in coding exon 1 of the CDKN2A (p14ARF) gene, results from a T to C substitution at nucleotide position 26. The leucine at codon 9 is replaced by proline, an amino acid with similar properties. This amino acid position is poorly conserved in available vertebrate species. In addition, the in silico prediction for this alteration is inconclusive. Since supporting evidence is limited at this time, the clinical significance of this alteration remains unclear.

Labcorp Genetics (formerly Invitae), Labcorp
Classification: Uncertain significance for Familial melanoma. Last evaluated: 2021-07-12. Review status: criteria provided, single submitter. Criteria: Invitae Variant Classification Sherloc (09022015). Collection method: clinical testing. Allele origin: germline.